The following is an entry in ClinVar:

NM_201548.5(CERKL):c.1138del (p.Ala380fs)

Gene: CERKL (CERK like autophagy regulator; minus strand). Cytogenetic location: 2q31.3.
Variant type: Deletion.
Coding change: c.1138del on transcript NM_201548.5 (MANE Select); coding-DNA position 1138, one base deleted (G; older notation c.1138delG).
Protein change: p.Ala380fs; shifts the reading frame from alanine 380.
Molecular consequence: frameshift variant. On other transcripts: non-coding transcript variant (2).
Genome position (GRCh38, 1-based): chr2:181,547,843, C deleted on the plus strand (G on the coding strand, the reverse complement: CERKL is on the minus strand); the first of 3 consecutive C bases (chr2:181,547,843-181,547,845); deleting any one gives the same sequence. VCF-style (leftmost placement, unchanged base first): chr2-181547842-GC-G. GRCh37 (hg19) VCF-style: chr2-182412569-GC-G.
Other names: c.1216del, p.Ala406fs (NM_001030311.3); c.799del, p.Ala267fs (NM_001030312.3); c.931del, p.Ala311fs (NM_001030313.3); c.1084del, p.Ala362fs (NM_001160277.2); short protein forms A362fs, A267fs, A380fs, A311fs, A406fs.
Identifiers: ClinVar variation 960053 (VCV000960053.7), dbSNP rs1687798117, ClinGen allele CA1139657524.

ClinVar aggregate classification (germline): Pathogenic (1 of 4 stars; one submission).

Submission:

Labcorp Genetics (formerly Invitae), Labcorp
Classification: Pathogenic. Last evaluated: 2019-08-25. Review status: criteria provided, single submitter. Criteria: Invitae Variant Classification Sherloc (09022015). Collection method: clinical testing. Allele origin: germline.
Comment: For these reasons, this variant has been classified as Pathogenic. Loss-of-function variants in CERKL are known to be pathogenic (PMID: 14681825, 24043777). This variant has not been reported in the literature in individuals with CERKL-related conditions. This variant is not present in population databases (ExAC no frequency). This sequence change creates a premature translational stop signal (p.Ala406Hisfs*15) in the CERKL gene. It is expected to result in an absent or disrupted protein product.

Literature cited by the submitters: PubMed 14681825; PubMed 24043777.